The following is an entry in ClinVar:

ClinVar aggregate classification (germline): Uncertain significance (1 of 4 stars; one submission).

Conditions:
Perlman syndrome (PRLMNS). Identifiers: Orphanet 2849, MedGen C0796113, MONDO:0009965, OMIM 267000.

Allele frequency attached by ClinVar (database versions not stated): TOPMed below 0.00001; gnomAD 0.00001.

Submission:

Labcorp Genetics (formerly Invitae), Labcorp
Classification: Uncertain significance for Perlman syndrome. Last evaluated: 2023-08-22. Review status: criteria provided, single submitter. Criteria: Invitae Variant Classification Sherloc (09022015). Collection method: clinical testing. Allele origin: germline.
Comment: In summary, the available evidence is currently insufficient to determine the role of this variant in disease. Therefore, it has been classified as a Variant of Uncertain Significance. An algorithm developed to predict the effect of missense changes on protein structure and function (PolyPhen-2) suggests that this variant is likely to be disruptive. ClinVar contains an entry for this variant (Variation ID: 1006172). This variant has not been reported in the literature in individuals affected with DIS3L2-related conditions. This variant is present in population databases (no rsID available, gnomAD 0.007%). This sequence change replaces leucine, which is neutral and non-polar, with phenylalanine, which is neutral and non-polar, at codon 719 of the DIS3L2 protein (p.Leu719Phe).

NM_152383.5(DIS3L2):c.2157A>T (p.Leu719Phe)

Gene: DIS3L2 (DIS3 like 3'-5' exoribonuclease 2; plus strand). Cytogenetic location: 2q37.1.
Variant type: single nucleotide variant.
Coding change: c.2157A>T on transcript NM_152383.5 (MANE Select); coding-DNA position 2157, A replaced by T.
Protein change: p.Leu719Phe; replaces leucine 719 with phenylalanine.
Molecular consequence: missense variant. On other transcripts: non-coding transcript variant (2), intron variant (1).
Genome position (GRCh38, 1-based): chr2:232,333,986, A>T. VCF-style: chr2-232333986-A-T. GRCh37 (hg19) VCF-style: chr2-233198696-A-T.
Other names: c.1582-9359A>T (NM_001257281.2); short protein forms L719F.
Identifiers: ClinVar variation 1006172 (VCV001006172.8), dbSNP rs1356263290, ClinGen allele CA350977591.